The following is an entry in ClinVar:

ClinVar aggregate classification (germline): Uncertain significance (1 of 4 stars; one submission).

gnomAD v4.1: 2 of 1,603,560 alleles (0.00012%); highest among the groups gnomAD compares: African/African-American, 0.0014%; no homozygotes.

Submission:

Labcorp Genetics (formerly Invitae), Labcorp
Classification: Uncertain significance. Last evaluated: 2025-09-28. Review status: criteria provided, single submitter. Criteria: Invitae Variant Classification Sherloc (09022015). Collection method: clinical testing. Allele origin: germline.
Comment: This sequence change falls in intron 3 of the PSMA3 gene. It does not directly change the encoded amino acid sequence of the PSMA3 protein. It affects a nucleotide within the consensus splice site. This variant is not present in population databases (gnomAD no frequency). This variant has not been reported in the literature in individuals affected with PSMA3-related conditions. Variants that disrupt the consensus splice site are a relatively common cause of aberrant splicing (PMID: 17576681, 9536098). Algorithms developed to predict the effect of sequence changes on RNA splicing suggest that this variant is not likely to affect RNA splicing. In summary, the available evidence is currently insufficient to determine the role of this variant in disease. Therefore, it has been classified as a Variant of Uncertain Significance.

Literature cited by the submitters: PubMed 17576681; PubMed 9536098.

NM_002788.4(PSMA3):c.228+5G>A

Gene: PSMA3 (proteasome 20S subunit alpha 3; plus strand). Cytogenetic location: 14q23.1.
Variant type: single nucleotide variant.
Coding change: c.228+5G>A on transcript NM_002788.4 (MANE Select); 5 bases into the intron after coding-DNA position 228, G replaced by A.
Molecular consequence: intron variant.
Genome position (GRCh38, 1-based): chr14:58,252,247, G>A. VCF-style: chr14-58252247-G-A. GRCh37 (hg19) VCF-style: chr14-58718965-G-A.
Other names: c.228+5G>A (NM_152132.3).
Identifiers: ClinVar variation 4708271 (VCV004708271.1).